The following is an entry in ClinVar:

NM_000059.4(BRCA2):c.1789G>T (p.Glu597Ter)

Gene: BRCA2 (BRCA2 DNA repair associated; plus strand). Cytogenetic location: 13q13.1.
Variant type: single nucleotide variant.
Coding change: c.1789G>T on transcript NM_000059.4 (MANE Select); coding-DNA position 1789, G replaced by T.
Protein change: p.Glu597Ter; replaces glutamic acid 597 with a stop codon.
Molecular consequence: nonsense.
Genome position (GRCh38, 1-based): chr13:32,333,267, G>T. VCF-style: chr13-32333267-G-T. GRCh37 (hg19) VCF-style: chr13-32907404-G-T.
Other names: short protein forms E597*.
Identifiers: ClinVar variation 51194 (VCV000051194.2), dbSNP rs80358461, ClinGen allele CA013220.
Genomic context (GRCh38, chr13:32,333,267, plus strand): 5'-GCAGGTTTAATATCCACTTTGAAAAAGAAAACAAATAAGTTTATTTATGCTATACATGAT[G>T]AAACATCTTATAAAGGAAAAAAAATACCGAAAGACCAAAAATCAGAACTAATTAACTGTT-3'

ClinVar aggregate classification (germline): Pathogenic. Review status: reviewed by expert panel (3 of 4 stars). 2 submissions from 2 submitters: Pathogenic (1). 1 of the submissions does not count toward it. Last evaluated 2016-09-08.

Conditions:
Breast-ovarian cancer, familial, susceptibility to, 2 (BROVCA2). Also called: BRCA2 Hereditary Breast and Ovarian Cancer. Identifiers: Orphanet 145, MedGen C2675520, MONDO:0012933, OMIM 612555. Disease mechanism: loss of function.

Submissions (2):

Evidence-based Network for the Interpretation of Germline Mutant Alleles (ENIGMA)
Classification: Pathogenic for Breast-ovarian cancer, familial, susceptibility to, 2. Last evaluated: 2016-09-08. Review status: reviewed by expert panel. Criteria: ENIGMA BRCA1/2 Classification Criteria (2015). Collection method: curation. Allele origin: germline.
Comment: Variant allele predicted to encode a truncated non-functional protein.

Breast Cancer Information Core (BIC) (BRCA2)
Classification: Pathogenic for Breast-ovarian cancer, familial 2. Last evaluated: 2003-12-23. Review status: no assertion criteria provided. Collection method: clinical testing. Allele origin: germline. Affected: yes. Observed: 1 variant allele. Not counted in ClinVar's aggregate classification.